The following is an entry in ClinVar:

ClinVar aggregate classification (germline): Uncertain significance (1 of 4 stars; one submission).

Submission:

Labcorp Genetics (formerly Invitae), Labcorp
Classification: Uncertain significance. Last evaluated: 2025-10-19. Review status: criteria provided, single submitter. Criteria: Invitae Variant Classification Sherloc (09022015). Collection method: clinical testing. Allele origin: germline.
Comment: This variant, c.21_22delinsTC, is a complex sequence change that results in the deletion of 2 and insertion of 2 amino acid(s) in the MAFB protein (p.Met7_Gly8delinsIleArg). Information on the frequency of this variant in the gnomAD database is not available, as this variant may be reported differently in the database. This variant has not been reported in the literature in individuals affected with MAFB-related conditions. Experimental studies and prediction algorithms are not available or were not evaluated, and the functional significance of this variant is currently unknown. In summary, the available evidence is currently insufficient to determine the role of this variant in disease. Therefore, it has been classified as a Variant of Uncertain Significance.

NM_005461.5(MAFB):c.21_22delinsTC (p.Met7_Gly8delinsIleArg)

Gene: MAFB (MAF bZIP transcription factor B; minus strand). Cytogenetic location: 20q12.
Variant type: Indel.
Coding change: c.21_22delinsTC on transcript NM_005461.5 (MANE Select); coding-DNA positions 21 to 22, GG replaced by TC.
Protein change: p.Met7_Gly8delinsIleArg.
Molecular consequence: missense variant.
Genome position (GRCh38, 1-based): chr20:40,688,829-40,688,830, CC replaced by GA on the plus strand (GG replaced by TC on the coding strand, the reverse complement: MAFB is on the minus strand). VCF-style: chr20-40688829-CC-GA. GRCh37 (hg19) VCF-style: chr20-39317469-CC-GA.
Identifiers: ClinVar variation 4705707 (VCV004705707.1).